The following is an entry in ClinVar:

NM_002585.4(PBX1):c.271A>C (p.Ser91Arg)

Gene: PBX1 (PBX homeobox 1; plus strand). Cytogenetic location: 1q23.3.
Variant type: single nucleotide variant.
Coding change: c.271A>C on transcript NM_002585.4 (MANE Select); coding-DNA position 271, A replaced by C.
Protein change: p.Ser91Arg; replaces serine 91 with arginine.
Molecular consequence: missense variant.
Genome position (GRCh38, 1-based): chr1:164,792,499, A>C. VCF-style: chr1-164792499-A-C. GRCh37 (hg19) VCF-style: chr1-164761736-A-C.
Other names: c.271A>C, p.Ser91Arg (NM_001204961.2, NM_001204963.2, NM_001353131.2); c.22A>C, p.Ser8Arg (NM_001353130.1); short protein forms S8R, S91R.
Identifiers: ClinVar variation 2824762 (VCV002824762.3), dbSNP rs2526763774, ClinGen allele CA343469638.

ClinVar aggregate classification (germline): Uncertain significance (1 of 4 stars; one submission).

Submission:

Labcorp Genetics (formerly Invitae), Labcorp
Classification: Uncertain significance. Last evaluated: 2025-06-12. Review status: criteria provided, single submitter. Criteria: Invitae Variant Classification Sherloc (09022015). Collection method: clinical testing. Allele origin: germline.
Comment: This sequence change replaces serine, which is neutral and polar, with arginine, which is basic and polar, at codon 91 of the PBX1 protein (p.Ser91Arg). This variant is not present in population databases (gnomAD no frequency). This variant has not been reported in the literature in individuals affected with PBX1-related conditions. ClinVar contains an entry for this variant (Variation ID: 2824762). Invitae Evidence Modeling of protein sequence and biophysical properties (such as structural, functional, and spatial information, amino acid conservation, physicochemical variation, residue mobility, and thermodynamic stability) indicates that this missense variant is expected to disrupt PBX1 protein function with a positive predictive value of 80%. In summary, the available evidence is currently insufficient to determine the role of this variant in disease. Therefore, it has been classified as a Variant of Uncertain Significance.